The following is an entry in ClinVar:

ClinVar aggregate classification (germline): Uncertain significance (1 of 4 stars; one submission).

Conditions:
Inborn genetic diseases. Identifiers: MedGen C0950123, MeSH D030342.

Submission:

Ambry Genetics
Classification: Uncertain significance for Inborn genetic diseases. Last evaluated: 2025-05-27. Review status: criteria provided, single submitter. Criteria: Ambry Variant Classification Scheme 2023. Collection method: clinical testing. Allele origin: germline.
Comment: The p.N1462K variant (also known as c.4386T>G), located in coding exon 1 of the SAMD9 gene, results from a T to G substitution at nucleotide position 4386. The asparagine at codon 1462 is replaced by lysine, an amino acid with similar properties. This amino acid position is conserved. In addition, this alteration is predicted to be tolerated by in silico analysis. Based on the available evidence, the clinical significance of this variant remains unclear.

NM_017654.4(SAMD9):c.4386T>G (p.Asn1462Lys)

Gene: SAMD9 (sterile alpha motif domain containing 9; minus strand). Cytogenetic location: 7q21.2.
Variant type: single nucleotide variant.
Coding change: c.4386T>G on transcript NM_017654.4 (MANE Select); coding-DNA position 4386, T replaced by G.
Protein change: p.Asn1462Lys; replaces asparagine 1462 with lysine.
Molecular consequence: missense variant.
Genome position (GRCh38, 1-based): chr7:93,101,712, A>C on the plus strand (T>G on the coding strand, the complement: SAMD9 is on the minus strand). VCF-style: chr7-93101712-A-C. GRCh37 (hg19) VCF-style: chr7-92731025-A-C.
Other names: c.4386T>G, p.Asn1462Lys (NM_001193307.2); short protein forms N1462K.
Identifiers: ClinVar variation 3949681 (VCV003949681.1).
Genomic context (GRCh38, chr7:93,101,712, plus strand): 5'-AAAGAAATATGCAATTGGTTGCTTTGTACGATGCATATGTTTATATTGCCCCTTGAAAGA[A>C]TTTTTTAGTGCTTGAGCATACTCTTTCATTTGTTCAGAATGTTGATCTAGTTGTTGATTT-3'
Protein context (NP_060124.2, residues 1452-1472): QMKEYAQALK[Asn1462Lys]SFKGQYKHMH